The following is an entry in ClinVar:

NM_001374353.1(GLI2):c.142C>T (p.Gln48Ter)

Gene: GLI2 (GLI family zinc finger 2; plus strand). Cytogenetic location: 2q14.2.
Variant type: single nucleotide variant.
Coding change: c.142C>T on transcript NM_001374353.1 (MANE Select); coding-DNA position 142, C replaced by T.
Protein change: p.Gln48Ter; replaces glutamine 48 with a stop codon.
Molecular consequence: nonsense. On other transcripts: 5 prime UTR variant (1).
Genome position (GRCh38, 1-based): chr2:120,797,462, C>T. VCF-style: chr2-120797462-C-T. GRCh37 (hg19) VCF-style: chr2-121555038-C-T.
Other names: c.142C>T (NM_005270.4); c.142C>T, p.Gln48Ter (NM_001371271.1, NM_005270.5); c.-128C>T (NM_001374354.1); short protein forms Q48*.
Identifiers: ClinVar variation 1711506 (VCV001711506.34), dbSNP rs755515251, ClinGen allele CA348196758.

ClinVar aggregate classification (germline): Conflicting classifications of pathogenicity. Review status: criteria provided, conflicting classifications (1 of 4 stars). 3 submissions from 3 submitters: Likely pathogenic (2); Uncertain significance (1). Last evaluated 2026-03-04.

Conditions:
Inborn genetic diseases. Identifiers: MedGen C0950123, MeSH D030342.

gnomAD v4.1: 9 of 1,613,482 alleles (0.00056%); highest among the groups gnomAD compares: Non-Finnish European, 0.00076%; no homozygotes.

Submissions (3):

GeneDx
Classification: Likely pathogenic. Last evaluated: 2026-03-04. Review status: criteria provided, single submitter. Criteria: GeneDx Variant Classification Process June 2021. Collection method: clinical testing. Allele origin: germline.
Comment: Nonsense variant predicted to result in protein truncation or nonsense mediated decay in a gene for which loss of function is a known mechanism of disease; Not observed at significant frequency in large population cohorts (gnomAD); Has not been previously published as pathogenic or benign to our knowledge

Ambry Genetics
Classification: Uncertain significance for Inborn genetic diseases. Last evaluated: 2023-02-10. Review status: criteria provided, single submitter. Criteria: Ambry Variant Classification Scheme 2023. Collection method: clinical testing. Allele origin: germline.
Comment: The c.142C>T (p.Q48*) alteration, located in exon 1 (coding exon 1) of the GLI2 gene, consists of a C to T substitution at nucleotide position 142. This changes the amino acid from a glutamine (Q) to a stop codon at amino acid position 48. The predicted stop codon occurs in the 5&rsquo; end of the GLI2 gene. Premature termination codons in the 5&rsquo; end of a gene have been reported to escape nonsense-mediated mRNA decay and/or lead to re-initiation (Rivas, 2015; Lindeboom, 2016; Rhee, 2017). The exact functional effect of this alteration is unknown. Based on data from gnomAD, the T allele has an overall frequency of <0.001% (1/250394) total alleles studied. The highest observed frequency was 0.001% (1/113226) of European (non-Finnish) alleles. Based on insufficient or conflicting evidence, the clinical significance of this alteration remains unclear.

CeGaT Center for Human Genetics Tuebingen
Classification: Likely pathogenic. Last evaluated: 2022-12-01. Review status: criteria provided, single submitter. Criteria: CeGaT Center For Human Genetics Tuebingen Variant Classification Criteria Version 2. Collection method: clinical testing. Allele origin: germline. Affected: yes. Observed: 2 variant alleles.

Literature cited by the submitters: PubMed 25954003 (cited by Ambry Genetics); PubMed 27618451 (cited by Ambry Genetics); PubMed 28490743 (cited by Ambry Genetics).